The following is an entry in ClinVar:

NM_001001331.4(ATP2B2):c.2152C>T (p.Arg718Cys)

Gene: ATP2B2 (ATPase plasma membrane Ca2+ transporting 2; minus strand). Cytogenetic location: 3p25.3.
Variant type: single nucleotide variant.
Coding change: c.2152C>T on transcript NM_001001331.4 (MANE Select); coding-DNA position 2152, C replaced by T.
Protein change: p.Arg718Cys; replaces arginine 718 with cysteine.
Molecular consequence: missense variant.
Genome position (GRCh38, 1-based): chr3:10,350,562, G>A on the plus strand (C>T on the coding strand, the complement: ATP2B2 is on the minus strand). VCF-style: chr3-10350562-G-A. GRCh37 (hg19) VCF-style: chr3-10392246-G-A.
Other names: c.2017C>T (NM_001683.3); c.2017C>T, p.Arg673Cys (NM_001330611.3, NM_001353564.1, NM_001363862.1 and 1 more transcripts); short protein forms R673C, R718C.
Identifiers: ClinVar variation 1966642 (VCV001966642.6), dbSNP rs938764659, ClinGen allele CA70084106.

ClinVar aggregate classification (germline): Uncertain significance. Review status: criteria provided, multiple submitters, no conflicts (2 of 4 stars). 2 submissions from 2 submitters: Uncertain significance (2). Last evaluated 2024-03-07.

Allele frequency attached by ClinVar (database versions not stated): gnomAD exomes 0.00001; TOPMed 0.00001; gnomAD 0.00002.
gnomAD v4.1: 18 of 1,613,040 alleles (0.0011%); highest among the groups gnomAD compares: East Asian, 0.0022%; no homozygotes.

Submissions (2):

Ambry Genetics
Classification: Uncertain significance. Last evaluated: 2024-03-07. Review status: criteria provided, single submitter. Criteria: Ambry Variant Classification Scheme 2023. Collection method: clinical testing. Allele origin: germline.

Labcorp Genetics (formerly Invitae), Labcorp
Classification: Uncertain significance. Last evaluated: 2022-09-12. Review status: criteria provided, single submitter. Criteria: Invitae Variant Classification Sherloc (09022015). Collection method: clinical testing. Allele origin: germline.
Comment: In summary, the available evidence is currently insufficient to determine the role of this variant in disease. Therefore, it has been classified as a Variant of Uncertain Significance. This sequence change replaces arginine, which is basic and polar, with cysteine, which is neutral and slightly polar, at codon 673 of the ATP2B2 protein (p.Arg673Cys). This variant is present in population databases (no rsID available, gnomAD 0.006%). This variant has not been reported in the literature in individuals affected with ATP2B2-related conditions. Advanced modeling of protein sequence and biophysical properties (such as structural, functional, and spatial information, amino acid conservation, physicochemical variation, residue mobility, and thermodynamic stability) performed at Invitae indicates that this missense variant is not expected to disrupt ATP2B2 protein function.